The following is an entry in ClinVar:

NM_001018111.3(PODXL):c.707-8_707-5del

Gene: PODXL (podocalyxin like; minus strand). Cytogenetic location: 7q32.3.
Variant type: Deletion.
Coding change: c.707-8_707-5del on transcript NM_001018111.3 (MANE Select); 8 bases into the intron before coding-DNA position 707 through 5 bases into the intron before coding-DNA position 707, 4 bases deleted (TTTT; older notation c.707-8_707-5delTTTT).
Molecular consequence: intron variant.
Genome position (GRCh38, 1-based): chr7:131,510,336-131,510,339, AAAA deleted on the plus strand (TTTT on the coding strand, the reverse complement: PODXL is on the minus strand); deleting any 4 consecutive bases within chr7:131,510,336-131,510,362 gives the same sequence; the c. name uses the placement nearest the transcript's 3' end. VCF-style (leftmost placement, unchanged base first): chr7-131510335-GAAAA-G. GRCh37 (hg19) VCF-style: chr7-131195094-GAAAA-G.
Other names: p.?; c.706+489_706+492del (NM_005397.4).
Identifiers: ClinVar variation 4683312 (VCV004683312.1).
Genomic context (GRCh38, chr7:131,510,335, plus strand): 5'-CACCCGAGGTCAGGAGTTCAAGACCAGCCTGGCTGACATGGTGAAACACTGTCTCTACTT[GAAAA>G]AAAAAAAAAAAAAAAAAAAAAAATTAGCTGGTGTGCTGGTGCACACCTGTAGTCCCAGCT-3'

ClinVar aggregate classification (germline): Benign (1 of 4 stars; one submission).

Submission:

Mayo Clinic Laboratories, Mayo Clinic
Classification: Benign. Last evaluated: 2022-11-21. Review status: criteria provided, single submitter. Criteria: ACMG Guidelines, 2015. Collection method: clinical testing. Allele origin: germline. Observed: 48 variant alleles.
Comment: BA1